The following is an entry in ClinVar:

NM_014874.4(MFN2):c.1160+3A>T

Gene: MFN2 (mitofusin 2; plus strand). Cytogenetic location: 1p36.22.
Variant type: single nucleotide variant.
Coding change: c.1160+3A>T on transcript NM_014874.4 (MANE Select); 3 bases into the intron after coding-DNA position 1160, A replaced by T.
Molecular consequence: intron variant.
Genome position (GRCh38, 1-based): chr1:12,002,106, A>T. VCF-style: chr1-12002106-A-T. GRCh37 (hg19) VCF-style: chr1-12062163-A-T.
Other names: c.1160+3A>T (NM_001127660.2).
Identifiers: ClinVar variation 4725902 (VCV004725902.1).

ClinVar aggregate classification (germline): Uncertain significance (1 of 4 stars; one submission).

Conditions:
Charcot-Marie-Tooth disease type 2. Also called: Charcot-Marie-Tooth type 2. Identifiers: Orphanet 64746, MedGen C0270914, MONDO:0018993.

Submission:

Labcorp Genetics (formerly Invitae), Labcorp
Classification: Uncertain significance for Charcot-Marie-Tooth disease type 2. Last evaluated: 2025-08-24. Review status: criteria provided, single submitter. Criteria: Invitae Variant Classification Sherloc (09022015). Collection method: clinical testing. Allele origin: germline.
Comment: This sequence change falls in intron 11 of the MFN2 gene. It does not directly change the encoded amino acid sequence of the MFN2 protein. It affects a nucleotide within the consensus splice site. This variant is not present in population databases (gnomAD no frequency). This variant has not been reported in the literature in individuals affected with MFN2-related conditions. Variants that disrupt the consensus splice site are a relatively common cause of aberrant splicing (PMID: 17576681, 9536098). Algorithms developed to predict the effect of sequence changes on RNA splicing suggest that this variant may disrupt the consensus splice site. In summary, the available evidence is currently insufficient to determine the role of this variant in disease. Therefore, it has been classified as a Variant of Uncertain Significance.

Literature cited by the submitters: PubMed 17576681; PubMed 9536098.